The following is an entry in ClinVar:

NM_000419.5(ITGA2B):c.1960C>T (p.Leu654Phe)

Gene: ITGA2B (integrin subunit alpha 2b; minus strand). Cytogenetic location: 17q21.31.
Variant type: single nucleotide variant.
Coding change: c.1960C>T on transcript NM_000419.5 (MANE Select); coding-DNA position 1960, C replaced by T.
Protein change: p.Leu654Phe; replaces leucine 654 with phenylalanine.
Molecular consequence: missense variant.
Genome position (GRCh38, 1-based): chr17:44,378,496, G>A on the plus strand (C>T on the coding strand, the complement: ITGA2B is on the minus strand). VCF-style: chr17-44378496-G-A. GRCh37 (hg19) VCF-style: chr17-42455864-G-A.
Other names: short protein forms L654F.
Identifiers: ClinVar variation 2890345 (VCV002890345.3), dbSNP rs772504745, ClinGen allele CA8602878.

ClinVar aggregate classification (germline): Uncertain significance (1 of 4 stars; one submission).

Conditions:
Glanzmann thrombasthenia. Also called: Glanzmann's thrombasthenia; BLEEDING DISORDER, PLATELET-TYPE, 2; THROMBASTHENIA OF GLANZMANN AND NAEGELI; Thrombasthenia; PLATELET GLYCOPROTEIN IIb-IIIa DEFICIENCY. Identifiers: Orphanet 849, MedGen C0040015, MONDO:0100326.

Allele frequency attached by ClinVar (database versions not stated): gnomAD exomes below 0.00001; gnomAD 0.00001; ExAC 0.00002; TOPMed 0.00002.

Submission:

Labcorp Genetics (formerly Invitae), Labcorp
Classification: Uncertain significance for Glanzmann thrombasthenia. Last evaluated: 2023-04-09. Review status: criteria provided, single submitter. Criteria: Invitae Variant Classification Sherloc (09022015). Collection method: clinical testing. Allele origin: germline.
Comment: This variant has not been reported in the literature in individuals affected with ITGA2B-related conditions. In summary, the available evidence is currently insufficient to determine the role of this variant in disease. Therefore, it has been classified as a Variant of Uncertain Significance. Advanced modeling of protein sequence and biophysical properties (such as structural, functional, and spatial information, amino acid conservation, physicochemical variation, residue mobility, and thermodynamic stability) performed at Invitae indicates that this missense variant is not expected to disrupt ITGA2B protein function. This variant is present in population databases (rs772504745, gnomAD 0.003%). This sequence change replaces leucine, which is neutral and non-polar, with phenylalanine, which is neutral and non-polar, at codon 654 of the ITGA2B protein (p.Leu654Phe).